The following is an entry in ClinVar:

ClinVar aggregate classification (germline): Likely benign (1 of 4 stars; one submission).

Conditions:
CENPF-related disorder. Also called: CENPF-related condition.

Submissions (4):

PreventionGenetics, part of Exact Sciences
Classification: Likely benign for CENPF-related condition. Last evaluated: 2025-04-07. Review status: criteria provided, single submitter. Criteria: ACMG Guidelines, 2015. Collection method: clinical testing. Allele origin: germline.
Comment: This variant is classified as likely benign based on ACMG/AMP sequence variant interpretation guidelines (Richards et al. 2015 PMID: 25741868, with internal and published modifications).

Dr. Peter K. Rogan Lab, Western University
No classification provided (evidence only). Condition: Familial cancer of breast. Review status: no classification provided. Collection method: in vitro. Allele origin: not applicable. Functional consequence: retained intron. Not counted in ClinVar's aggregate classification.

Dr. Peter K. Rogan Lab, Western University
No classification provided (evidence only). Condition: Colon adenocarcinoma. Review status: no classification provided. Collection method: in vitro. Allele origin: not applicable. Functional consequence: retained intron. Not counted in ClinVar's aggregate classification.

Dr. Peter K. Rogan Lab, Western University
No classification provided (evidence only). Condition: Colon adenocarcinoma. Review status: no classification provided. Collection method: in vitro. Allele origin: not applicable. Functional consequence: retained intron. Not counted in ClinVar's aggregate classification.

NM_016343.4(CENPF):c.8963-9del

Gene: CENPF (centromere protein F; plus strand). Cytogenetic location: 1q41.
Variant type: Deletion.
Coding change: c.8963-9del on transcript NM_016343.4 (MANE Select); 9 bases into the intron before coding-DNA position 8963, one base deleted (T; older notation c.8963-9delT).
Molecular consequence: intron variant.
Genome position (GRCh38, 1-based): chr1:214,658,841, T deleted; the last of 8 consecutive T bases (chr1:214,658,834-214,658,841); deleting any one gives the same sequence. VCF-style (leftmost placement, unchanged base first): chr1-214658833-AT-A. GRCh37 (hg19) VCF-style: chr1-214832176-AT-A.
Other names: NC_000001.10:g.214832184del; c.8963-9delT (NM_016343.3).
Identifiers: ClinVar variation 4283920 (VCV004283920.2).
Genomic context (GRCh38, chr1:214,658,833, plus strand): 5'-ACCACCTAATGAATATCTTTTCCACTGTAGATAGAATTGGACCTAGCAGTGCTGACAGTT[AT>A]TTTTTTTGCCCTTAGGGTTTGCTGACATCCCGACAGGAAAGACTAGCCCATATATCCTGC-3'